The following is an entry in ClinVar:

NM_152703.5(SAMD9L):c.2330T>C (p.Ile777Thr)

Gene: SAMD9L (sterile alpha motif domain containing 9 like; minus strand). Cytogenetic location: 7q21.2.
Variant type: single nucleotide variant.
Coding change: c.2330T>C on transcript NM_152703.5 (MANE Select); coding-DNA position 2330, T replaced by C.
Protein change: p.Ile777Thr; replaces isoleucine 777 with threonine.
Molecular consequence: missense variant.
Genome position (GRCh38, 1-based): chr7:93,133,642, A>G on the plus strand (T>C on the coding strand, the complement: SAMD9L is on the minus strand). VCF-style: chr7-93133642-A-G. GRCh37 (hg19) VCF-style: chr7-92762955-A-G.
Other names: c.2330T>C, p.Ile777Thr (NM_001303496.3, NM_001303497.3, NM_001303498.3 and 5 more transcripts); short protein forms I777T.
Identifiers: ClinVar variation 4630036 (VCV004630036.1).

ClinVar aggregate classification (germline): Uncertain significance (1 of 4 stars; one submission).

Conditions:
Inborn genetic diseases. Identifiers: MedGen C0950123, MeSH D030342.

Submission:

Ambry Genetics
Classification: Uncertain significance for Inborn genetic diseases. Last evaluated: 2025-10-03. Review status: criteria provided, single submitter. Criteria: Ambry Variant Classification Scheme 2023. Collection method: clinical testing. Allele origin: germline.
Comment: The p.I777T variant (also known as c.2330T>C), located in coding exon 1 of the SAMD9L gene, results from a T to C substitution at nucleotide position 2330. The isoleucine at codon 777 is replaced by threonine, an amino acid with similar properties. This amino acid position is conserved. In addition, the in silico prediction for this alteration is inconclusive. Based on the available evidence, the clinical significance of this variant remains unclear.